The following is an entry in ClinVar:

NM_000067.3(CA2):c.566A>G (p.Asp189Gly)

Gene: CA2 (carbonic anhydrase 2; plus strand). Cytogenetic location: 8q21.2.
Variant type: single nucleotide variant.
Coding change: c.566A>G on transcript NM_000067.3 (MANE Select); coding-DNA position 566, A replaced by G.
Protein change: p.Asp189Gly; replaces aspartic acid 189 with glycine.
Molecular consequence: missense variant.
Genome position (GRCh38, 1-based): chr8:85,477,178, A>G. VCF-style: chr8-85477178-A-G. GRCh37 (hg19) VCF-style: chr8-86389407-A-G.
Other names: c.263A>G, p.Asp88Gly (NM_001293675.2); short protein forms D88G, D189G.
Identifiers: ClinVar variation 1501532 (VCV001501532.8), dbSNP rs1165599024, ClinGen allele CA371430617.

ClinVar aggregate classification (germline): Uncertain significance (1 of 4 stars; one submission).

Allele frequency attached by ClinVar (database versions not stated): gnomAD exomes below 0.00001 and 0.00001; TOPMed 0.00001.
gnomAD v4.1: 2 of 1,613,972 alleles (0.00012%); highest among the groups gnomAD compares: Admixed American, 0.0033%; no homozygotes.

Submission:

Labcorp Genetics (formerly Invitae), Labcorp
Classification: Uncertain significance. Last evaluated: 2022-06-20. Review status: criteria provided, single submitter. Criteria: Invitae Variant Classification Sherloc (09022015). Collection method: clinical testing. Allele origin: germline.
Comment: This sequence change replaces aspartic acid, which is acidic and polar, with glycine, which is neutral and non-polar, at codon 189 of the CA2 protein (p.Asp189Gly). Algorithms developed to predict the effect of missense changes on protein structure and function are either unavailable or do not agree on the potential impact of this missense change (SIFT: "Deleterious"; PolyPhen-2: "Possibly Damaging"; Align-GVGD: "Class C0"). This variant has not been reported in the literature in individuals affected with CA2-related conditions. This variant is present in population databases (no rsID available, gnomAD 0.006%). In summary, the available evidence is currently insufficient to determine the role of this variant in disease. Therefore, it has been classified as a Variant of Uncertain Significance.